The following is an entry in ClinVar:

NM_000428.3(LTBP2):c.442_443del (p.Pro148fs)

Gene: LTBP2 (latent transforming growth factor beta binding protein 2; minus strand). Cytogenetic location: 14q24.3.
Variant type: Deletion.
Coding change: c.442_443del on transcript NM_000428.3 (MANE Select); coding-DNA positions 442 to 443, 2 bases deleted (CC; older notation c.442_443delCC).
Protein change: p.Pro148fs; shifts the reading frame from proline 148.
Molecular consequence: frameshift variant.
Genome position (GRCh38, 1-based): chr14:74,611,502-74,611,503, GG deleted on the plus strand (CC on the coding strand, the reverse complement: LTBP2 is on the minus strand); deleting any 2 consecutive bases within chr14:74,611,502-74,611,505 gives the same sequence; the c. name uses the placement nearest the transcript's 3' end. VCF-style (leftmost placement, unchanged base first): chr14-74611501-TGG-T. GRCh37 (hg19) VCF-style: chr14-75078204-TGG-T.
Other names: short protein forms P148fs.
Identifiers: ClinVar variation 3004485 (VCV003004485.3), dbSNP rs747161431, ClinGen allele CA7270200.

ClinVar aggregate classification (germline): Pathogenic (1 of 4 stars; one submission).

Submission:

Labcorp Genetics (formerly Invitae), Labcorp
Classification: Pathogenic. Last evaluated: 2025-10-05. Review status: criteria provided, single submitter. Criteria: Invitae Variant Classification Sherloc (09022015). Collection method: clinical testing. Allele origin: germline.
Comment: This sequence change creates a premature translational stop signal (p.Pro148Thrfs*77) in the LTBP2 gene. It is expected to result in an absent or disrupted protein product. Loss-of-function variants in LTBP2 are known to be pathogenic (PMID: 19361779, 19656777, 22025892). This variant is present in population databases (rs747161431, gnomAD 0.01%). This variant has not been reported in the literature in individuals affected with LTBP2-related conditions. ClinVar contains an entry for this variant (Variation ID: 3004485). For these reasons, this variant has been classified as Pathogenic.

Literature cited by the submitters: PubMed 19361779; PubMed 19656777; PubMed 22025892.